The following is an entry in ClinVar:

ClinVar aggregate classification (germline): Likely benign. Review status: criteria provided, multiple submitters, no conflicts (2 of 4 stars). 4 submissions from 4 submitters: Likely benign (2). 2 of the submissions do not count toward it. Last evaluated 2026-01-19.

Conditions:
PFKM-related disorder. Also called: PFKM-related condition.
Glycogen storage disease, type VII (GSD7). Also called: TARUI DISEASE; GSD VII; MUSCLE PHOSPHOFRUCTOKINASE DEFICIENCY; PFKM DEFICIENCY. Identifiers: Orphanet 371, MedGen C0017926, MONDO:0009295, OMIM 232800.

Allele frequency attached by ClinVar (database versions not stated): gnomAD 0.00003 and 0.00004; TOPMed 0.00009; ExAC 0.00010; gnomAD exomes 0.00014.
gnomAD v4.1: 47 of 1,614,020 alleles (0.0029%); highest among the groups gnomAD compares: Admixed American, 0.078%; 1 homozygote.

Submissions (4):

Labcorp Genetics (formerly Invitae), Labcorp
Classification: Likely benign for Glycogen storage disease, type VII. Last evaluated: 2026-01-19. Review status: criteria provided, single submitter. Criteria: Invitae Variant Classification Sherloc (09022015). Collection method: clinical testing. Allele origin: germline.

ARUP Laboratories, Molecular Genetics and Genomics, ARUP Laboratories
Classification: Likely benign for Glycogen storage disease, type VII. Last evaluated: 2025-05-28. Review status: criteria provided, single submitter. Criteria: ARUP Molecular Germline Variant Investigation Process 2024. Collection method: clinical testing. Allele origin: germline.

Natera, Inc.
Classification: Benign for Glycogen storage disease type VII. Last evaluated: 2020-10-04. Review status: no assertion criteria provided. Collection method: clinical testing. Allele origin: germline. Not counted in ClinVar's aggregate classification.

PreventionGenetics, part of Exact Sciences
Classification: Likely benign for PFKM-related condition. Last evaluated: 2019-07-15. Review status: no assertion criteria provided. Collection method: clinical testing. Allele origin: germline. Not counted in ClinVar's aggregate classification.
Comment: This variant is classified as likely benign based on ACMG/AMP sequence variant interpretation guidelines (Richards et al. 2015 PMID: 25741868, with internal and published modifications).

NM_000289.6(PFKM):c.468G>C (p.Leu156=)

Gene: PFKM (phosphofructokinase, muscle; plus strand). Cytogenetic location: 12q13.11.
Variant type: single nucleotide variant.
Coding change: c.468G>C on transcript NM_000289.6 (MANE Select); coding-DNA position 468, G replaced by C.
Protein change: p.Leu156=; no amino-acid change (leucine 156 retained).
Molecular consequence: synonymous variant. On other transcripts: non-coding transcript variant (6).
Genome position (GRCh38, 1-based): chr12:48,133,355, G>C. VCF-style: chr12-48133355-G-C. GRCh37 (hg19) VCF-style: chr12-48527138-G-C.
Other names: c.681G>C, p.Leu227= (NM_001166686.2, NM_001354737.1, NM_001354738.1 and 1 more transcripts); c.468G>C, p.Leu156= (NM_001166687.2, NM_001166688.2, NM_001354742.2 and 4 more transcripts); c.777G>C, p.Leu259= (NM_001354735.1, NM_001354736.1); c.612G>C, p.Leu204= (NM_001354740.1); c.492G>C, p.Leu164= (NM_001354741.2); c.381G>C, p.Leu127= (NM_001354745.2); c.318G>C, p.Leu106= (NM_001354747.2, NM_001354748.2); c.468G>C (NM_000289.5).
Identifiers: ClinVar variation 989545 (VCV000989545.12), dbSNP rs772301967, ClinGen allele CA6537006.